The following is an entry in ClinVar:

ClinVar aggregate classification (germline): Uncertain significance (1 of 4 stars; one submission).

Allele frequency attached by ClinVar (database versions not stated): gnomAD exomes 0.00001 and 0.00003; TOPMed 0.00002; gnomAD 0.00003.
gnomAD v4.1: 45 of 1,536,214 alleles (0.0029%); highest among the groups gnomAD compares: Non-Finnish European, 0.0038%; no homozygotes.

Submission:

Labcorp Genetics (formerly Invitae), Labcorp
Classification: Uncertain significance. Last evaluated: 2022-08-09. Review status: criteria provided, single submitter. Criteria: Invitae Variant Classification Sherloc (09022015). Collection method: clinical testing. Allele origin: germline.
Comment: The C2CD3 gene has multiple clinically relevant transcripts. This variant occurs in alternate transcript NM_001286577.1, and corresponds to NM_015531.5:c.*796A>G in the primary transcript. This sequence change replaces arginine, which is basic and polar, with glycine, which is neutral and non-polar, at codon 2120 of the C2CD3 protein (p.Arg2120Gly). This variant is present in population databases (no rsID available, gnomAD 0.005%). This variant has not been reported in the literature in individuals affected with C2CD3-related conditions. Experimental studies and prediction algorithms are not available or were not evaluated, and the functional significance of this variant is currently unknown. In summary, the available evidence is currently insufficient to determine the role of this variant in disease. Therefore, it has been classified as a Variant of Uncertain Significance.

NM_001286577.2(C2CD3):c.6358A>G (p.Arg2120Gly)

Gene: C2CD3 (C2 domain containing 3 centriole elongation regulator; minus strand). Cytogenetic location: 11q13.4.
Variant type: single nucleotide variant.
Coding change: c.6358A>G on transcript NM_001286577.2 (MANE Select); coding-DNA position 6358, A replaced by G.
Protein change: p.Arg2120Gly; replaces arginine 2120 with glycine.
Molecular consequence: missense variant.
Genome position (GRCh38, 1-based): chr11:74,033,802, T>C on the plus strand (A>G on the coding strand, the complement: C2CD3 is on the minus strand). VCF-style: chr11-74033802-T-C. GRCh37 (hg19) VCF-style: chr11-73744847-T-C.
Other names: short protein forms R2120G.
Identifiers: ClinVar variation 1519222 (VCV001519222.3), dbSNP rs966963125, ClinGen allele CA224505648.